The following is an entry in ClinVar:

NM_006030.4(CACNA2D2):c.1324del (p.Ala442fs)

Gene: CACNA2D2 (calcium voltage-gated channel auxiliary subunit alpha2delta 2; minus strand). Cytogenetic location: 3p21.31.
Variant type: Deletion.
Coding change: c.1324del on transcript NM_006030.4 (MANE Select); coding-DNA position 1324, one base deleted (G; older notation c.1324delG).
Protein change: p.Ala442fs; shifts the reading frame from alanine 442.
Molecular consequence: frameshift variant.
Genome position (GRCh38, 1-based): chr3:50,378,930, C deleted on the plus strand (G on the coding strand, the reverse complement: CACNA2D2 is on the minus strand); the first of 2 consecutive C bases (chr3:50,378,930-50,378,931); deleting either gives the same sequence. VCF-style (leftmost placement, unchanged base first): chr3-50378929-GC-G. GRCh37 (hg19) VCF-style: chr3-50416360-GC-G.
Other names: c.1324del, p.Ala442fs (NM_001005505.3, NM_001174051.3, NM_001410768.1); c.1117del, p.Ala373fs (NM_001291101.1); short protein forms A442fs, A373fs.
Identifiers: ClinVar variation 3651244 (VCV003651244.2).

ClinVar aggregate classification (germline): Pathogenic (1 of 4 stars; one submission).

Conditions:
Early-infantile DEE. Also called: Ohtahara syndrome; Early infantile epileptic encephalopathy; Early infantile epileptic encephalopathy with suppression bursts. Identifiers: Orphanet 1934, MedGen C0393706, MONDO:0800491.

Submission:

Labcorp Genetics (formerly Invitae), Labcorp
Classification: Pathogenic for Early-infantile DEE. Last evaluated: 2024-06-02. Review status: criteria provided, single submitter. Criteria: Invitae Variant Classification Sherloc (09022015). Collection method: clinical testing. Allele origin: germline.
Comment: This sequence change creates a premature translational stop signal (p.Ala442Profs*25) in the CACNA2D2 gene. It is expected to result in an absent or disrupted protein product. Loss-of-function variants in CACNA2D2 are known to be pathogenic (PMID: 24358150). This variant is not present in population databases (gnomAD no frequency). This variant has not been reported in the literature in individuals affected with CACNA2D2-related conditions. For these reasons, this variant has been classified as Pathogenic.

Literature cited by the submitters: PubMed 24358150.